The following is an entry in ClinVar:

NM_000426.4(LAMA2):c.4058+3A>G

Gene: LAMA2 (laminin subunit alpha 2; plus strand). Cytogenetic location: 6q22.33.
Variant type: single nucleotide variant.
Coding change: c.4058+3A>G on transcript NM_000426.4 (MANE Select); 3 bases into the intron after coding-DNA position 4058, A replaced by G.
Molecular consequence: intron variant.
Genome position (GRCh38, 1-based): chr6:129,316,174, A>G. VCF-style: chr6-129316174-A-G. GRCh37 (hg19) VCF-style: chr6-129637319-A-G.
Other names: c.4058+3A>G (NM_001079823.2).
Identifiers: ClinVar variation 1054957 (VCV001054957.2), dbSNP rs781716820, ClinGen allele CA3993420.

ClinVar aggregate classification (germline): Uncertain significance (1 of 4 stars; one submission).

Conditions:
LAMA2-related muscular dystrophy (LAMA2-RD). Also called: Laminin alpha 2-related dystrophy. Identifiers: MedGen C5679788, MONDO:0100228.

Allele frequency attached by ClinVar (database versions not stated): gnomAD exomes below 0.00001 and 0.00001; TOPMed below 0.00001; ExAC 0.00001; gnomAD 0.00001.
gnomAD v4.1: 4 of 1,597,098 alleles (0.00025%); highest among the groups gnomAD compares: Middle Eastern, 0.021%; no homozygotes.

Submission:

Labcorp Genetics (formerly Invitae), Labcorp
Classification: Uncertain significance for LAMA2-related muscular dystrophy. Last evaluated: 2022-09-07. Review status: criteria provided, single submitter. Criteria: Invitae Variant Classification Sherloc (09022015). Collection method: clinical testing. Allele origin: germline.
Comment: This sequence change falls in intron 27 of the LAMA2 gene. It does not directly change the encoded amino acid sequence of the LAMA2 protein. It affects a nucleotide within the consensus splice site. This variant is present in population databases (rs781716820, gnomAD 0.0009%). This variant has not been reported in the literature in individuals affected with LAMA2-related conditions. ClinVar contains an entry for this variant (Variation ID: 1054957). Variants that disrupt the consensus splice site are a relatively common cause of aberrant splicing (PMID: 17576681, 9536098). Algorithms developed to predict the effect of sequence changes on RNA splicing suggest that this variant may disrupt the consensus splice site. In summary, the available evidence is currently insufficient to determine the role of this variant in disease. Therefore, it has been classified as a Variant of Uncertain Significance.

Literature cited by the submitters: PubMed 17576681; PubMed 9536098.